The following is an entry in ClinVar:

ClinVar aggregate classification (germline): Likely pathogenic (1 of 4 stars; one submission).

Conditions:
Microcephaly, normal intelligence and immunodeficiency (NBS). Also called: Nijmegen breakage syndrome; Microcephaly with normal intelligence immunodeficiency and lymphoreticular malignancies; Nonsyndromal microcephaly autosomal recessive with normal intelligence; Seemanova syndrome 2; BERLIN BREAKAGE SYNDROME; Ataxia telangiectasia variant V1. Identifiers: Orphanet 647, MedGen C0398791, MONDO:0009623, OMIM 251260.

Submission:

Natera, Inc.
Classification: Likely pathogenic for Nijmegen breakage syndrome. Last evaluated: 2024-06-06. Review status: criteria provided, single submitter. Criteria: Natera Variant Classification Schema (03/2026). Collection method: clinical testing. Allele origin: germline.
Comment: The c.887del variant in NBN is a frameshift variant predicted to shift the reading frame beginning at codon 296 and leads to a stop codon 19 codons downstream. This variant is expected to result in nonsense mediated decay, truncation, or a dysfunctional protein product. This variant is rare in the general population with a frequency below the threshold expected for the associated phenotype(s). Given the available evidence, this variant is classified as Likely Pathogenic.

NM_002485.5(NBN):c.887del (p.Met296fs)

Gene: NBN (nibrin; minus strand). Cytogenetic location: 8q21.3.
Variant type: Deletion.
Coding change: c.887del on transcript NM_002485.5 (MANE Select); coding-DNA position 887, one base deleted (T; older notation c.887delT).
Protein change: p.Met296fs; shifts the reading frame from methionine 296.
Molecular consequence: frameshift variant.
Genome position (GRCh38, 1-based): chr8:89,970,373, A deleted on the plus strand (T on the coding strand, the reverse complement: NBN is on the minus strand). VCF-style (leftmost placement, unchanged base first): chr8-89970372-CA-C. GRCh37 (hg19) VCF-style: chr8-90982600-CA-C.
Other names: c.641del, p.Met214fs (NM_001024688.3, NM_001440379.1, NM_001440380.1); c.887delT, p.Met296Serfs (NM_002485.4); short protein forms M214fs, M296fs.
Identifiers: ClinVar variation 4815071 (VCV004815071.1).